The following is an entry in ClinVar:

ClinVar aggregate classification (germline): Uncertain significance. Review status: criteria provided, multiple submitters, no conflicts (2 of 4 stars). 3 submissions from 3 submitters: Uncertain significance (3). Last evaluated 2025-08-10.

Conditions:
Holoprosencephaly sequence (HPE). Also called: Holoprosencephaly. Identifiers: Orphanet 2162, MedGen C0079541, MONDO:0016296, HP:0001360.
Inborn genetic diseases. Identifiers: MedGen C0950123, MeSH D030342.

Allele frequency attached by ClinVar (database versions not stated): TOPMed 0.00002; gnomAD 0.00003 and 0.00004; ESP Exome Variant Server 0.00008; gnomAD exomes 0.00003 and 0.00004; ExAC 0.00004.

Submissions (3):

Ambry Genetics
Classification: Uncertain significance for Inborn genetic diseases. Last evaluated: 2025-08-10. Review status: criteria provided, single submitter. Criteria: Ambry Variant Classification Scheme 2023. Collection method: clinical testing. Allele origin: germline.

Labcorp Genetics (formerly Invitae), Labcorp
Classification: Uncertain significance for Holoprosencephaly sequence. Last evaluated: 2022-08-16. Review status: criteria provided, single submitter. Criteria: Invitae Variant Classification Sherloc (09022015). Collection method: clinical testing. Allele origin: germline.
Comment: In summary, the available evidence is currently insufficient to determine the role of this variant in disease. Therefore, it has been classified as a Variant of Uncertain Significance. Algorithms developed to predict the effect of missense changes on protein structure and function output the following: SIFT: "Tolerated"; PolyPhen-2: "Benign"; Align-GVGD: "Class C0". The valine amino acid residue is found in multiple mammalian species, which suggests that this missense change does not adversely affect protein function. ClinVar contains an entry for this variant (Variation ID: 912094). This variant has not been reported in the literature in individuals affected with FOXH1-related conditions. This variant is present in population databases (rs372121961, gnomAD 0.06%), and has an allele count higher than expected for a pathogenic variant. This sequence change replaces alanine, which is neutral and non-polar, with valine, which is neutral and non-polar, at codon 271 of the FOXH1 protein (p.Ala271Val).

Illumina Laboratory Services, Illumina
Classification: Uncertain significance for Holoprosencephaly sequence. Last evaluated: 2017-04-27. Review status: criteria provided, single submitter. Criteria: ICSL Variant Classification Criteria 13 December 2019. Collection method: clinical testing. Allele origin: germline.

NM_003923.3(FOXH1):c.812C>T (p.Ala271Val)

Gene: FOXH1 (forkhead box H1; minus strand). Cytogenetic location: 8q24.3.
Variant type: single nucleotide variant.
Coding change: c.812C>T on transcript NM_003923.3 (MANE Select); coding-DNA position 812, C replaced by T.
Protein change: p.Ala271Val; replaces alanine 271 with valine.
Molecular consequence: missense variant.
Genome position (GRCh38, 1-based): chr8:144,474,524, G>A on the plus strand (C>T on the coding strand, the complement: FOXH1 is on the minus strand). VCF-style: chr8-144474524-G-A. GRCh37 (hg19) VCF-style: chr8-145699907-G-A.
Other names: short protein forms A271V.
Identifiers: ClinVar variation 912094 (VCV000912094.10), dbSNP rs372121961, ClinGen allele CA4945430.